The following is an entry in ClinVar:

NM_007194.4(CHEK2):c.1449C>T (p.His483=)

Gene: CHEK2 (checkpoint kinase 2; minus strand). Cytogenetic location: 22q12.1.
Variant type: single nucleotide variant.
Coding change: c.1449C>T on transcript NM_007194.4 (MANE Select); coding-DNA position 1449, C replaced by T.
Protein change: p.His483=; no amino-acid change (histidine 483 retained).
Molecular consequence: synonymous variant.
Genome position (GRCh38, 1-based): chr22:28,694,044, G>A on the plus strand (C>T on the coding strand, the complement: CHEK2 is on the minus strand). VCF-style: chr22-28694044-G-A. GRCh37 (hg19) VCF-style: chr22-29090032-G-A.
Other names: c.1578C>T, p.His526= (NM_001005735.3); c.786C>T, p.His262= (NM_001257387.3); c.1248C>T, p.His416= (NM_001349956.3); c.1362C>T, p.His454= (NM_145862.3).
Identifiers: ClinVar variation 1155810 (VCV001155810.13), dbSNP rs1555913081, ClinGen allele CA513944742.

ClinVar aggregate classification (germline): Benign/Likely benign. Review status: criteria provided, multiple submitters, no conflicts (2 of 4 stars). 3 submissions from 3 submitters: Benign (1); Likely benign (2). Last evaluated 2024-10-08.

Conditions:
Familial cancer of breast. Also called: hereditary breast carcinoma; BREAST CANCER, FAMILIAL; Hereditary breast cancer. Identifiers: Orphanet 227535, MedGen C0346153, MONDO:0016419, OMIM 114480. Disease mechanism: loss of function.
Hereditary cancer-predisposing syndrome. Also called: Hereditary neoplastic syndrome; Hereditary Cancer Syndrome; Tumor predisposition; Neoplastic Syndromes, Hereditary. Identifiers: Orphanet 140162, MedGen C0027672, MeSH D009386, MONDO:0015356.

Submissions (3):

Myriad Genetics, Inc.
Classification: Benign for Familial cancer of breast. Last evaluated: 2024-10-08. Review status: criteria provided, single submitter. Criteria: Myriad Autosomal Dominant, Autosomal Recessive and X-Linked Classification Criteria (2023). Collection method: clinical testing. Allele origin: unknown.
Comment: This variant is considered benign. This variant is a silent/synonymous amino acid change and it is not expected to impact splicing.

Ambry Genetics
Classification: Likely benign for Hereditary cancer-predisposing syndrome. Last evaluated: 2021-07-24. Review status: criteria provided, single submitter. Criteria: Ambry Variant Classification Scheme 2023. Collection method: clinical testing. Allele origin: germline.

Labcorp Genetics (formerly Invitae), Labcorp
Classification: Likely benign for Familial cancer of breast. Last evaluated: 2020-02-04. Review status: criteria provided, single submitter. Criteria: Invitae Variant Classification Sherloc (09022015). Collection method: clinical testing. Allele origin: germline.